The following is an entry in ClinVar:

ClinVar aggregate classification (germline): Uncertain significance (1 of 4 stars; one submission).

Allele frequency attached by ClinVar (database versions not stated): gnomAD exomes 0.00001; ExAC 0.00002.
gnomAD v4.1: 1 of 1,613,852 alleles (0.000062%); highest among the groups gnomAD compares: Non-Finnish European, 0.000085%; no homozygotes.

Submission:

Labcorp Genetics (formerly Invitae), Labcorp
Classification: Uncertain significance. Last evaluated: 2023-11-27. Review status: criteria provided, single submitter. Criteria: Invitae Variant Classification Sherloc (09022015). Collection method: clinical testing. Allele origin: germline.
Comment: This sequence change replaces isoleucine, which is neutral and non-polar, with phenylalanine, which is neutral and non-polar, at codon 502 of the TULP1 protein (p.Ile502Phe). This variant is present in population databases (rs751810148, gnomAD 0.002%). This variant has not been reported in the literature in individuals affected with TULP1-related conditions. ClinVar contains an entry for this variant (Variation ID: 1408515). Advanced modeling of protein sequence and biophysical properties (such as structural, functional, and spatial information, amino acid conservation, physicochemical variation, residue mobility, and thermodynamic stability) performed at Invitae indicates that this missense variant is expected to disrupt TULP1 protein function with a positive predictive value of 95%. Algorithms developed to predict the effect of sequence changes on RNA splicing suggest that this variant may create or strengthen a splice site. In summary, the available evidence is currently insufficient to determine the role of this variant in disease. Therefore, it has been classified as a Variant of Uncertain Significance.

NM_003322.6(TULP1):c.1504A>T (p.Ile502Phe)

Gene: TULP1 (TUB like protein 1; minus strand). Cytogenetic location: 6p21.31.
Variant type: single nucleotide variant.
Coding change: c.1504A>T on transcript NM_003322.6 (MANE Select); coding-DNA position 1504, A replaced by T.
Protein change: p.Ile502Phe; replaces isoleucine 502 with phenylalanine.
Molecular consequence: missense variant.
Genome position (GRCh38, 1-based): chr6:35,498,452, T>A on the plus strand (A>T on the coding strand, the complement: TULP1 is on the minus strand). VCF-style: chr6-35498452-T-A. GRCh37 (hg19) VCF-style: chr6-35466229-T-A.
Other names: c.1345A>T, p.Ile449Phe (NM_001289395.2); short protein forms I449F, I502F.
Identifiers: ClinVar variation 1408515 (VCV001408515.6), dbSNP rs751810148, ClinGen allele CA3772525.